The following is an entry in ClinVar:

NM_001267550.2(TTN):c.56674A>C (p.Thr18892Pro)

Genes: TTN-AS1 (TTN antisense RNA 1; plus strand), TTN (titin; minus strand). Cytogenetic location: 2q31.2.
Variant type: single nucleotide variant.
Coding change: c.56674A>C on transcript NM_001267550.2 (MANE Select); coding-DNA position 56674, A replaced by C.
Protein change: p.Thr18892Pro; replaces threonine 18892 with proline.
Molecular consequence: missense variant.
Genome position (GRCh38, 1-based): chr2:178,599,036, T>G on the plus strand (A>C on the coding strand, the complement: TTN is on the minus strand). VCF-style: chr2-178599036-T-G. GRCh37 (hg19) VCF-style: chr2-179463763-T-G.
Other names: c.51751A>C, p.Thr17251Pro (NM_001256850.1); c.29479A>C, p.Thr9827Pro (NM_003319.4); c.48970A>C, p.Thr16324Pro (NM_133378.4); c.29854A>C, p.Thr9952Pro (NM_133432.3); c.30055A>C, p.Thr10019Pro (NM_133437.4); short protein forms T18892P, T16324P, T9952P, T10019P, T9827P, T17251P.
Identifiers: ClinVar variation 467292 (VCV000467292.13), dbSNP rs780258242, ClinGen allele CA1993197.
Genomic context (GRCh38, chr2:178,599,036, plus strand): 5'-CATCATATTCTGGCTCTTCCCAGTTGACAGTCATGGAGTTACGAGTCACGCTGCTAACTG[T>G]TGGTTTATCTGGTGCTCCAGGGACAGCTGTGAAAAAGATCATATTGATTATAAGAAATTT-3'
Protein context (NP_001254479.2, residues 18882-18902): FSVPGAPDKP[Thr18892Pro]VSSVTRNSMT

ClinVar aggregate classification (germline): Uncertain significance. Review status: criteria provided, multiple submitters, no conflicts (2 of 4 stars). 5 submissions from 5 submitters: Uncertain significance (5). Last evaluated 2026-09-11.

Conditions:
TTN-related disorder. Also called: TTN-related condition; TTN-related disease; TTN-related disorders.
Autosomal recessive limb-girdle muscular dystrophy type 2J (LGMDR10). Also called: Limb-girdle muscular dystrophy, type 2J; MUSCULAR DYSTROPHY, LIMB-GIRDLE, AUTOSOMAL RECESSIVE 10. Identifiers: Orphanet 140922, MedGen C1837342, MONDO:0012127, OMIM 608807.
Dilated cardiomyopathy 1G (CMD1G). Identifiers: Orphanet 154, MedGen C1858763, MONDO:0011400, OMIM 604145.
Hypertrophic cardiomyopathy 9. Also called: Familial hypertrophic cardiomyopathy 9. Identifiers: MedGen C1861065, MONDO:0013412, OMIM 613765.
Myopathy, myofibrillar, 9, with early respiratory failure (MFM9). Also called: Hereditary myopathy with early respiratory failure; MYOPATHY, PROXIMAL, WITH EARLY RESPIRATORY MUSCLE INVOLVEMENT; EDSTROM MYOPATHY; Myopathy, distal, with early respiratory failure, autosomal dominant. Identifiers: Orphanet 178464, Orphanet 34521, MedGen C1863599, MONDO:0011362, OMIM 603689.
Tibial muscular dystrophy (TMD). Also called: Udd Distal Myopathy – Tibial Muscular Dystrophy; UDD MYOPATHY; Tibial muscular dystrophy, tardive. Identifiers: Orphanet 609, MedGen C1838244, MONDO:0010870, OMIM 600334.
Early-onset myopathy with fatal cardiomyopathy (CMYO5). Also called: Salih Myopathy; CONGENITAL MYOPATHY 5 WITH CARDIOMYOPATHY. Identifiers: Orphanet 289377, MedGen C2673677, MONDO:0012714, OMIM 611705. Disease mechanism: loss of function.

Allele frequency attached by ClinVar (database versions not stated): gnomAD 0.00001; TOPMed 0.00007; 1000 Genomes Project 30x 0.00031.
gnomAD v4.1: 10 of 1,578,896 alleles (0.00063%); highest among the groups gnomAD compares: Admixed American, 0.0074%; no homozygotes.

Submissions (5):

PreventionGenetics, part of Exact Sciences
Classification: Uncertain significance for TTN-related condition. Last evaluated: 2026-09-11. Review status: criteria provided, single submitter. Criteria: ACMG Guidelines, 2015. Collection method: clinical testing. Allele origin: germline.
Comment: The TTN c.56674A>C variant is predicted to result in the amino acid substitution p.Thr18892Pro. To our knowledge, this variant has not been reported in the literature. This variant is reported in 0.027% of alleles in individuals of African descent in gnomAD. At this time, the clinical significance of this variant is uncertain due to the absence of conclusive functional and genetic evidence.

Fulgent Genetics
Classification: Uncertain significance for Tibial muscular dystrophy; Myopathy, myofibrillar, 9, with early respiratory failure; Dilated cardiomyopathy 1G; Autosomal recessive limb-girdle muscular dystrophy type 2J; Early-onset myopathy with fatal cardiomyopathy; Hypertrophic cardiomyopathy 9. Last evaluated: 2021-12-06. Review status: criteria provided, single submitter. Criteria: ACMG Guidelines, 2015. Collection method: clinical testing. Allele origin: unknown.

Mayo Clinic Laboratories, Mayo Clinic
Classification: Uncertain significance. Last evaluated: 2019-04-08. Review status: criteria provided, single submitter. Criteria: ACMG Guidelines, 2015. Collection method: clinical testing. Allele origin: germline. Observed: 1 variant allele.

Eurofins Ntd Llc (ga)
Classification: Uncertain significance. Last evaluated: 2018-06-13. Review status: criteria provided, single submitter. Criteria: EGL ClinVar v180209 classification definitions. Collection method: clinical testing. Allele origin: germline. Observed: 1 variant allele, 1 heterozygote.

Labcorp Genetics (formerly Invitae), Labcorp
Classification: Uncertain significance for Dilated cardiomyopathy 1G; Autosomal recessive limb-girdle muscular dystrophy type 2J. Last evaluated: 2017-12-05. Review status: criteria provided, single submitter. Criteria: Invitae Variant Classification Sherloc (09022015). Collection method: clinical testing. Allele origin: germline.